The following is an entry in ClinVar:

ClinVar aggregate classification (germline): Conflicting classifications of pathogenicity. Review status: criteria provided, conflicting classifications (1 of 4 stars). 4 submissions from 4 submitters: Pathogenic (1); Uncertain significance (3). Last evaluated 2025-07-18.

Conditions:
Neurofibromatosis, type 1 (NF1). Also called: Peripheral type neurofibromatosis; Neurofibromatosis, type I; NEUROFIBROMATOSIS, TYPE I, SOMATIC; VON RECKLINGHAUSEN DISEASE. Identifiers: Orphanet 636, MedGen C0027831, MONDO:0018975, OMIM 162200. Disease mechanism: loss of function.
Juvenile myelomonocytic leukemia (JMML). Also called: LEUKEMIA, JUVENILE MYELOMONOCYTIC, SOMATIC. Identifiers: Orphanet 86834, MedGen C0349639, MONDO:0011908, OMIM 607785, HP:0012209.

gnomAD v4.1: 6 of 1,610,840 alleles (0.00037%); highest among the groups gnomAD compares: Non-Finnish European, 0.00051%; no homozygotes.

Submissions (4):

Labcorp Genetics (formerly Invitae), Labcorp
Classification: Uncertain significance for Neurofibromatosis, type 1. Last evaluated: 2025-07-18. Review status: criteria provided, single submitter. Criteria: Invitae Variant Classification Sherloc (09022015). Collection method: clinical testing. Allele origin: germline.
Comment: This sequence change falls in intron 8 of the NF1 gene. It does not directly change the encoded amino acid sequence of the NF1 protein. This variant is present in population databases (no rsID available, gnomAD 0.0009%). This variant has not been reported in the literature in individuals affected with NF1-related conditions. ClinVar contains an entry for this variant (Variation ID: 816725). Studies have shown that this variant is associated with inconclusive levels of altered splicing (PMID: 32126153; internal data). In summary, the available evidence is currently insufficient to determine the role of this variant in disease. Therefore, it has been classified as a Variant of Uncertain Significance.

GeneDx
Classification: Uncertain significance. Last evaluated: 2024-05-08. Review status: criteria provided, single submitter. Criteria: GeneDx Variant Classification Process June 2021. Collection method: clinical testing. Allele origin: germline. Affected: yes.
Comment: Identified in a child referred for genetic testing for NF1 with multiple cafe au lait macules and no other features of NF1 (PMID: 37186028); Splicing studies demonstrate that the variant results in partial/low-level skipping of the adjacent exon 9 (PMID: 32126153); In silico analysis supports a deleterious effect on splicing; This variant is associated with the following publications: (PMID: 37186028, 32126153)

Baylor Genetics
Classification: Uncertain significance for Juvenile myelomonocytic leukemia. Last evaluated: 2023-04-07. Review status: criteria provided, single submitter. Criteria: ACMG Guidelines, 2015. Collection method: clinical testing. Allele origin: unknown.

UAB Medical Genomics Laboratory, UAB Medicine
Classification: Pathogenic for Neurofibromatosis, type 1. Last evaluated: 2020-01-20. Review status: criteria provided, single submitter. Criteria: ACMG Guidelines, 2015. Collection method: clinical testing. Allele origin: germline. Affected: yes.

Literature cited by the submitters: PubMed 32126153 (cited by Labcorp Genetics (formerly Invitae), Labcorp and UAB Medical Genomics Laboratory, UAB Medicine).

NM_001042492.3(NF1):c.889-21C>A

Gene: NF1 (neurofibromin 1; plus strand). Cytogenetic location: 17q11.2.
Variant type: single nucleotide variant.
Coding change: c.889-21C>A on transcript NM_001042492.3 (MANE Select); 21 bases into the intron before coding-DNA position 889, C replaced by A.
Molecular consequence: intron variant.
Genome position (GRCh38, 1-based): chr17:31,200,401, C>A. VCF-style: chr17-31200401-C-A. GRCh37 (hg19) VCF-style: chr17-29527419-C-A.
Other names: c.889-21C>A (NM_000267.4, NM_001128147.3).
Identifiers: ClinVar variation 816725 (VCV000816725.7), dbSNP rs753797445, ClinGen allele CA625780488.
Genomic context (GRCh38, chr17:31,200,401, plus strand): 5'-GTTAATTTGCTATAATATTAGCTACATCTGGAATAGAAGAAACTTCATATATTATCTTAT[C>A]GCTATATTTGAATTCTGTAGAAGTTATTTCTGGACAGTCTACGAAAAGCTCTTGCTGGCC-3'